The following is an entry in ClinVar:

ClinVar aggregate classification (germline): Uncertain significance (1 of 4 stars; one submission).

Conditions:
Inborn genetic diseases. Identifiers: MedGen C0950123, MeSH D030342.

Submission:

Ambry Genetics
Classification: Uncertain significance for Inborn genetic diseases. Last evaluated: 2025-10-01. Review status: criteria provided, single submitter. Criteria: Ambry Variant Classification Scheme 2023. Collection method: clinical testing. Allele origin: germline.
Comment: The p.N189S variant (also known as c.566A>G), located in coding exon 5 of the ETV6 gene, results from an A to G substitution at nucleotide position 566. The asparagine at codon 189 is replaced by serine, an amino acid with highly similar properties. This amino acid position is conserved. In addition, this alteration is predicted to be tolerated by in silico analysis. Based on the available evidence, the clinical significance of this variant remains unclear.

NM_001987.5(ETV6):c.566A>G (p.Asn189Ser)

Gene: ETV6 (ETS variant transcription factor 6; plus strand). Cytogenetic location: 12p13.2.
Variant type: single nucleotide variant.
Coding change: c.566A>G on transcript NM_001987.5 (MANE Select); coding-DNA position 566, A replaced by G.
Protein change: p.Asn189Ser; replaces asparagine 189 with serine.
Molecular consequence: missense variant.
Genome position (GRCh38, 1-based): chr12:11,869,526, A>G. VCF-style: chr12-11869526-A-G. GRCh37 (hg19) VCF-style: chr12-12022460-A-G.
Other names: c.566A>G, p.Asn189Ser (NM_001413917.1, NM_001413916.1); c.563A>G, p.Asn188Ser (NM_001413913.1); c.539A>G, p.Asn180Ser (NM_001413914.1); c.302A>G, p.Asn101Ser (NM_001413915.1); short protein forms N101S, N180S, N188S, N189S.
Identifiers: ClinVar variation 4618847 (VCV004618847.1).